The following is an entry in ClinVar:

ClinVar aggregate classification (germline): Uncertain significance (1 of 4 stars; one submission).

Conditions:
Ehlers-Danlos syndrome, type 4 (EDSVASC). Also called: Ehlers-Danlos syndrome vascular type; Ehlers Danlos syndrome, ecchymotic type; Ehlers Danlos syndrome, arterial type; Ehlers Danlos syndrome, Sack-Barabas type; Ehlers-Danlos Syndrome Type IV. Identifiers: Orphanet 286, MedGen C0268338, MONDO:0017314, OMIM 130050.

Submission:

Labcorp Genetics (formerly Invitae), Labcorp
Classification: Uncertain significance for Ehlers-Danlos syndrome, type 4. Last evaluated: 2020-02-15. Review status: criteria provided, single submitter. Criteria: Invitae Variant Classification Sherloc (09022015). Collection method: clinical testing. Allele origin: germline.
Comment: This sequence change affects the initiator methionine of the COL3A1 mRNA. The next in-frame methionine is located at codon 2. This variant is not present in population databases (ExAC no frequency). This variant has not been reported in the literature in individuals with COL3A1-related conditions. Experimental studies and prediction algorithms are not available or were not evaluated for this variant, and the functional significance of this variant is currently unknown. In summary, the available evidence is currently insufficient to determine the role of this variant in disease. Therefore, it has been classified as a Variant of Uncertain Significance.

NM_000090.4(COL3A1):c.1A>T (p.Met1Leu)

Gene: COL3A1 (collagen type III alpha 1 chain; plus strand). Cytogenetic location: 2q32.2.
Variant type: single nucleotide variant.
Coding change: c.1A>T on transcript NM_000090.4 (MANE Select); coding-DNA position 1, A replaced by T.
Protein change: p.Met1Leu; changes the start codon (methionine 1).
Molecular consequence: missense variant, initiator codon variant.
Genome position (GRCh38, 1-based): chr2:188,974,490, A>T. VCF-style: chr2-188974490-A-T. GRCh37 (hg19) VCF-style: chr2-189839216-A-T.
Other names: short protein forms M1L.
Identifiers: ClinVar variation 958729 (VCV000958729.11), dbSNP rs1687765120, ClinGen allele CA349845330.